The following is an entry in ClinVar:

NM_018975.4(TERF2IP):c.74A>G (p.Asp25Gly)

Gene: TERF2IP (TERF2 interacting protein; plus strand). Cytogenetic location: 16q23.1.
Variant type: single nucleotide variant.
Coding change: c.74A>G on transcript NM_018975.4 (MANE Select); coding-DNA position 74, A replaced by G.
Protein change: p.Asp25Gly; replaces aspartic acid 25 with glycine.
Molecular consequence: missense variant. On other transcripts: non-coding transcript variant (1).
Genome position (GRCh38, 1-based): chr16:75,647,956, A>G. VCF-style: chr16-75647956-A-G. GRCh37 (hg19) VCF-style: chr16-75681854-A-G.
Other names: short protein forms D25G.
Identifiers: ClinVar variation 3325429 (VCV003325429.1).

ClinVar aggregate classification (germline): Uncertain significance (1 of 4 stars; one submission).

Submission:

Ambry Genetics
Classification: Uncertain significance. Last evaluated: 2024-05-04. Review status: criteria provided, single submitter. Criteria: Ambry Variant Classification Scheme 2023. Collection method: clinical testing. Allele origin: germline.
Comment: The p.D25G variant (also known as c.74A>G), located in coding exon 1 of the TERF2IP gene, results from an A to G substitution at nucleotide position 74. The aspartic acid at codon 25 is replaced by glycine, an amino acid with similar properties. This amino acid position is conserved. In addition, this alteration is predicted to be tolerated by in silico analysis. Based on the available evidence, the clinical significance of this variant remains unclear.